The following is an entry in ClinVar:

ClinVar aggregate classification (germline): Uncertain significance. Review status: criteria provided, multiple submitters, no conflicts (2 of 4 stars). 2 submissions from 2 submitters: Uncertain significance (2). Last evaluated 2024-08-13.

Allele frequency attached by ClinVar (database versions not stated): ExAC 0.00001; gnomAD exomes 0.00001.

Submissions (2):

Labcorp Genetics (formerly Invitae), Labcorp
Classification: Uncertain significance. Last evaluated: 2024-08-13. Review status: criteria provided, single submitter. Criteria: Invitae Variant Classification Sherloc (09022015). Collection method: clinical testing. Allele origin: germline.
Comment: This sequence change replaces isoleucine, which is neutral and non-polar, with threonine, which is neutral and polar, at codon 911 of the SLC12A6 protein (p.Ile911Thr). This variant is present in population databases (rs772527464, gnomAD 0.002%). This variant has not been reported in the literature in individuals affected with SLC12A6-related conditions. ClinVar contains an entry for this variant (Variation ID: 1515607). Invitae Evidence Modeling of protein sequence and biophysical properties (such as structural, functional, and spatial information, amino acid conservation, physicochemical variation, residue mobility, and thermodynamic stability) indicates that this missense variant is expected to disrupt SLC12A6 protein function with a positive predictive value of 80%. In summary, the available evidence is currently insufficient to determine the role of this variant in disease. Therefore, it has been classified as a Variant of Uncertain Significance.

GeneDx
Classification: Uncertain significance. Last evaluated: 2024-08-07. Review status: criteria provided, single submitter. Criteria: GeneDx Variant Classification Process June 2021. Collection method: clinical testing. Allele origin: germline. Affected: yes.
Comment: Not observed at significant frequency in large population cohorts (gnomAD); In silico analysis supports that this missense variant has a deleterious effect on protein structure/function; Has not been previously published as pathogenic or benign to our knowledge

NM_001365088.1(SLC12A6):c.2732T>C (p.Ile911Thr)

Gene: SLC12A6 (solute carrier family 12 member 6; minus strand). Cytogenetic location: 15q14.
Variant type: single nucleotide variant.
Coding change: c.2732T>C on transcript NM_001365088.1 (MANE Select); coding-DNA position 2732, T replaced by C.
Protein change: p.Ile911Thr; replaces isoleucine 911 with threonine.
Molecular consequence: missense variant.
Genome position (GRCh38, 1-based): chr15:34,238,302, A>G on the plus strand (T>C on the coding strand, the complement: SLC12A6 is on the minus strand). VCF-style: chr15-34238302-A-G. GRCh37 (hg19) VCF-style: chr15-34530503-A-G.
Other names: c.2555T>C, p.Ile852Thr (NM_001042494.2, NM_001042495.2); c.2705T>C, p.Ile902Thr (NM_001042496.2); c.2687T>C, p.Ile896Thr (NM_001042497.2); c.2579T>C, p.Ile860Thr (NM_005135.2); c.2732T>C, p.Ile911Thr (NM_133647.2); c.2732T>C (NM_133647.1); short protein forms I896T, I902T, I911T, I852T, I860T.
Identifiers: ClinVar variation 1515607 (VCV001515607.5), dbSNP rs772527464, ClinGen allele CA7464021.